The following is an entry in ClinVar:

ClinVar aggregate classification (germline): Likely benign (1 of 4 stars; one submission).

gnomAD v4.1: 1 of 1,610,644 alleles (0.000062%); highest among the groups gnomAD compares: Non-Finnish European, 0.000085%; no homozygotes.

Submission:

CeGaT Center for Human Genetics Tuebingen
Classification: Likely benign. Last evaluated: 2026-08-01. Review status: criteria provided, single submitter. Criteria: CeGaT Center For Human Genetics Tuebingen Variant Classification Criteria Version 2. Collection method: clinical testing. Allele origin: germline. Affected: yes. Observed: 1 variant allele.
Comment: TRAPPC12: BP4, BP7

NM_016030.6(TRAPPC12):c.1599A>G (p.Arg533=)

Gene: TRAPPC12 (trafficking protein particle complex subunit 12; plus strand). Cytogenetic location: 2p25.3.
Variant type: single nucleotide variant.
Coding change: c.1599A>G on transcript NM_016030.6 (MANE Select); coding-DNA position 1599, A replaced by G.
Protein change: p.Arg533=; no amino-acid change (arginine 533 retained).
Molecular consequence: synonymous variant.
Genome position (GRCh38, 1-based): chr2:3,457,689, A>G. VCF-style: chr2-3457689-A-G. GRCh37 (hg19) VCF-style: chr2-3461460-A-G.
Other names: c.1599A>G, p.Arg533= (NM_001321102.2).
Identifiers: ClinVar variation 5040466 (VCV005040466.1).